The following is an entry in ClinVar:

ClinVar aggregate classification (germline): Conflicting classifications of pathogenicity. Review status: criteria provided, conflicting classifications (1 of 4 stars). 2 submissions from 2 submitters: Uncertain significance (1); Likely benign (1). Last evaluated 2025-07-07.

Conditions:
Rubinstein-Taybi syndrome due to EP300 haploinsufficiency. Also called: EP300-Related Rubinstein-Taybi Syndrome; RUBINSTEIN-TAYBI SYNDROME 2. Identifiers: Orphanet 353284, Orphanet 783, MedGen C3150941, MONDO:0013364, OMIM 613684.
EP300-related disorder. Also called: EP300-related condition; EP300-related disorders.

Allele frequency attached by ClinVar (database versions not stated): gnomAD 0.00002 and 0.00003; gnomAD exomes 0.00002 and 0.00008; TOPMed 0.00002; ExAC 0.00003; ESP Exome Variant Server 0.00015.

Submissions (2):

PreventionGenetics, part of Exact Sciences
Classification: Uncertain significance for EP300-related condition. Last evaluated: 2025-07-07. Review status: criteria provided, single submitter. Criteria: ACMG Guidelines, 2015. Collection method: clinical testing. Allele origin: germline.
Comment: The EP300 c.1627A>G variant is predicted to result in the amino acid substitution p.Met543Val. This variant was reported in large sequencing studies of individuals with autism or developmental disorders (22:41533661:A:G in Supplementary Data 3, Zhou et al. 2022. PubMed ID: 35982159; 22:41533661A>G in Supplementary Table 1, Kaplanis et al. 2020. PubMed ID: 33057194). This variant is reported in 0.012% of alleles in individuals of African descent in gnomAD, which is more common than expected for an undocumented cause of disease. Although we suspect this variant may be benign, at this time, the clinical significance is uncertain due to the absence of conclusive functional and genetic evidence.

Labcorp Genetics (formerly Invitae), Labcorp
Classification: Likely benign for Rubinstein-Taybi syndrome due to EP300 haploinsufficiency. Last evaluated: 2024-09-01. Review status: criteria provided, single submitter. Criteria: Invitae Variant Classification Sherloc (09022015). Collection method: clinical testing. Allele origin: germline.

NM_001429.4(EP300):c.1627A>G (p.Met543Val)

Gene: EP300 (EP300 lysine acetyltransferase; plus strand). Cytogenetic location: 22q13.2.
Variant type: single nucleotide variant.
Coding change: c.1627A>G on transcript NM_001429.4 (MANE Select); coding-DNA position 1627, A replaced by G.
Protein change: p.Met543Val; replaces methionine 543 with valine.
Molecular consequence: missense variant.
Genome position (GRCh38, 1-based): chr22:41,137,657, A>G. VCF-style: chr22-41137657-A-G. GRCh37 (hg19) VCF-style: chr22-41533661-A-G.
Other names: c.1627A>G, p.Met543Val (NM_001362843.2); short protein forms M543V.
Identifiers: ClinVar variation 581340 (VCV000581340.12), dbSNP rs142823793, ClinGen allele CA10252581.